The following is an entry in ClinVar:

ClinVar aggregate classification (germline): Pathogenic. Review status: criteria provided, multiple submitters, no conflicts (2 of 4 stars). 3 submissions from 3 submitters: Pathogenic (3). Last evaluated 2025-06-23.

Conditions:
Hereditary hemorrhagic telangiectasia (HHT). Also called: ORW DISEASE; Osler Weber Rendu syndrome; OSLER-RENDU-WEBER DISEASE; Osler hemorrhagic telangiectasia syndrome. Identifiers: Orphanet 774, MedGen C0039445, MONDO:0019180. Disease mechanism: loss of function.
Cardiovascular phenotype. Identifiers: MedGen CN230736.

Submissions (3):

Ambry Genetics
Classification: Pathogenic for Cardiovascular phenotype. Last evaluated: 2025-06-23. Review status: criteria provided, single submitter. Criteria: Ambry Variant Classification Scheme 2023. Collection method: clinical testing. Allele origin: germline.
Comment: The c.98_101delAGCC pathogenic mutation, located in coding exon 2 of the ENG gene, results from a deletion of 4 nucleotides at nucleotide positions 98 to 101, causing a translational frameshift with a predicted alternate stop codon (p.Q33Lfs*9). This variant is considered to be rare based on population cohorts in the Genome Aggregation Database (gnomAD). This alteration is expected to result in loss of function by premature protein truncation or nonsense-mediated mRNA decay. As such, this alteration is interpreted as a disease-causing mutation.

Labcorp Genetics (formerly Invitae), Labcorp
Classification: Pathogenic for Hereditary hemorrhagic telangiectasia. Last evaluated: 2024-04-25. Review status: criteria provided, single submitter. Criteria: Invitae Variant Classification Sherloc (09022015). Collection method: clinical testing. Allele origin: germline.
Comment: This sequence change creates a premature translational stop signal (p.Gln33Leufs*9) in the ENG gene. It is expected to result in an absent or disrupted protein product. Loss-of-function variants in ENG are known to be pathogenic (PMID: 15879500). This variant is not present in population databases (gnomAD no frequency). This variant has not been reported in the literature in individuals affected with ENG-related conditions. ClinVar contains an entry for this variant (Variation ID: 453169). For these reasons, this variant has been classified as Pathogenic.

GeneDx
Classification: Pathogenic. Last evaluated: 2017-11-08. Review status: criteria provided, single submitter. Criteria: GeneDx Variant Classification (06012015). Collection method: clinical testing. Allele origin: germline. Affected: yes.
Comment: Although the c.98_101delAGCC pathogenic variant in the ENG gene has not been reported to our knowledge, this variant causes a shift in reading frame starting at codon glutamine 33, changing it to a leucine, and creating a premature stop codon at position 9 of the new reading frame, denoted p.Gln33LeufsX9. This pathogenic variant is expected to result in either an abnormal, truncated protein product or loss of protein from this allele through nonsense-mediated mRNA decay. Multiple other frameshift variants in the ENG gene have been reported in the Human Gene Mutation Database in association with HHT (Stenson et al., 2014), indicating that loss of function is a mechanism of disease for this gene. Furthermore, the c.98_101delAGCC variant has not been observed in large population cohorts (Lek et al., 2016).

Literature cited by the submitters: PubMed 15879500 (cited by Labcorp Genetics (formerly Invitae), Labcorp).

NM_001114753.3(ENG):c.98_101del (p.Gln33fs)

Gene: ENG (endoglin; minus strand). Cytogenetic location: 9q34.11.
Variant type: Deletion.
Coding change: c.98_101del on transcript NM_001114753.3 (MANE Select); coding-DNA positions 98 to 101, 4 bases deleted (AGCC; older notation c.98_101delAGCC).
Protein change: p.Gln33fs; shifts the reading frame from glutamine 33.
Molecular consequence: frameshift variant. On other transcripts: 5 prime UTR variant (1).
Genome position (GRCh38, 1-based): chr9:127,843,212-127,843,215, GGCT deleted on the plus strand (AGCC on the coding strand, the reverse complement: ENG is on the minus strand); deleting any 4 consecutive bases within chr9:127,843,212-127,843,216 gives the same sequence; the c. name uses the placement nearest the transcript's 3' end. VCF-style (leftmost placement, unchanged base first): chr9-127843211-AGGCT-A. GRCh37 (hg19) VCF-style: chr9-130605490-AGGCT-A.
Other names: c.97_100delCAGC, p.Gln33Leufs (NM_000118.4, NM_001406715.1); c.-449_-446del (NM_001278138.2); c.98_101delAGCC (NM_001114753.1); short protein forms Q33fs.
Identifiers: ClinVar variation 453169 (VCV000453169.7), dbSNP rs1554812283, ClinGen allele CA658656053.